The following is an entry in ClinVar:

ClinVar aggregate classification (germline): Pathogenic. Review status: reviewed by expert panel (3 of 4 stars). 10 submissions from 10 submitters: Pathogenic (1). 9 of the submissions do not count toward it. Last evaluated 2026-01-15.

Conditions:
Leber congenital amaurosis (LCA). Also called: Leber's amaurosis. Identifiers: Orphanet 65, MedGen C0339527, MeSH D057130, MONDO:0018998.
RPE65-related recessive retinopathy. Also called: Recessive RPE65 retinopathy. Identifiers: MedGen CN305526, MONDO:0100368.
Retinitis pigmentosa 20 (RP20). Identifiers: Orphanet 791, MedGen C3151086, MONDO:0013425, OMIM 613794.
Leber congenital amaurosis 2 (LCA2). Also called: AMAUROSIS CONGENITA OF LEBER II; Autosomal Recessive RPE65-Related Retinal Degeneration. Identifiers: Orphanet 65, MedGen C1859844, MONDO:0008765, OMIM 204100. Disease mechanism: loss of function.
RPE65-related disorder. Also called: RPE65-related disorders; RPE65-related condition. Identifiers: MedGen CN239301.

Allele frequency attached by ClinVar (database versions not stated): gnomAD exomes below 0.00001 and 0.00001; ExAC 0.00001; gnomAD 0.00003 and 0.00004; TOPMed 0.00006; 1000 Genomes Project 30x 0.00016; 1000 Genomes Project 0.00020.
gnomAD v4.1: 10 of 1,614,072 alleles (0.00062%); highest among the groups gnomAD compares: African/African-American, 0.012%; no homozygotes.

Submissions (10):

ClinGen Leber Congenital Amaurosis/early Onset Retinal Dystrophy Variant Curation Expert Panel, ClinGen
Classification: Pathogenic for RPE65-related recessive retinopathy. Last evaluated: 2026-01-15. Review status: reviewed by expert panel. Criteria: ClinGen LCAeoRD ACMG Specifications RPE65 V1.0.0. Collection method: curation. Allele origin: germline. Inheritance: Autosomal recessive inheritance.
Comment: The NM_000329.3(RPE65):c.952T>A (p.Tyr318Asn) variant is a missense variant in RPE65 causing a substitution of tyrosine with asparagine at position 318. This variant is present in gnomAD v.4.1.0 at a GrpMax allele frequency of 0.00006225, with 10/1614072 in the total population, which is lower than the ClinGen LCA / eoRD VCEP PM2_Supporting threshold of <0.0002 (PM2_Supporting). The computational predictor REVEL gives a score of 0.93, which is above the ClinGen LCA / eoRD VCEP threshold of ≥0.773 and predicts a damaging effect on RPE65 function (PP3_Moderate). This variant has been reported in at least one proband with early-onset severe retinal dystrophy who was compound heterozygous with the c.370C>T p.Arg124Ter variant suspected in trans, which was previously classified pathogenic by the ClinGen LCA / eoRD VCEP (0.5 pts, PMIDs: 29332120, 32347917). The variant has been observed in a third proband with a diagnosis of LCA and a compound heterozygous genotype, with the NM_000329.3(RPE65):c.1205G>A (p.Trp402Ter) variant, previously classified pathogenic, confirmed in trans (1 pt; VCEP member-provided data). This variant has also been reported in a fourth proband diagnosed with RPE65-associated retinal dystrophy who was compound heterozygous with the c.852delC p.Met285TrpfsTer40 variant confirmed in trans, which was previously classified likely pathogenic by the ClinGen LCA / eoRD VCEP (1 pt, PMID: 32347917). This variant has also been reported in a proband with nyctalopia, fundus abnormalities, retinal dystrophy, and cone-rod dystrophy who was homozygous for the variant (0.5 pts, confidential report from outside source; 4 total points, PM3_Very Strong). The variant exhibited 5% enzymatic activity in a retinoid isomerase assay relative to the wild-type control, which is lower than the ClinGen LCA / eoRD VCEP PS3_Supporting threshold of <10% activity, indicating that it triggers a severe defect in protein function (PS3_Supporting, PMID: 19431183). In summary, this variant meets the criteria to be classified as Pathogenic for RPE65-related recessive retinopathy based on the ACMG/AMP criteria applied, as specified by the ClinGen LCA / eoRD VCEP: PM2_Supporting, PP3_Moderate, PM3_VeryStrong, PS3_Supporting. (VCEP specifications version 1.0.0; date of approval 09/21/2023).

Labcorp Genetics (formerly Invitae), Labcorp
Classification: Pathogenic for Leber congenital amaurosis 2; Retinitis pigmentosa 20. Last evaluated: 2026-01-14. Review status: criteria provided, single submitter. Criteria: Invitae Variant Classification Sherloc (09022015). Collection method: clinical testing. Allele origin: germline. Not counted in ClinVar's aggregate classification.
Comment: This sequence change replaces tyrosine, which is neutral and polar, with asparagine, which is neutral and polar, at codon 318 of the RPE65 protein (p.Tyr318Asn). This variant is present in population databases (rs61752905, gnomAD 0.004%). This missense change has been observed in individual(s) with autosomal recessive Leber congenital amaurosis and/or retinitis pigmentosa (PMID: 29332120; internal data). In at least one individual the data is consistent with being in trans (on the opposite chromosome) from a pathogenic variant. ClinVar contains an entry for this variant (Variation ID: 98900). Invitae Evidence Modeling of protein sequence and biophysical properties (such as structural, functional, and spatial information, amino acid conservation, physicochemical variation, residue mobility, and thermodynamic stability) indicates that this missense variant is expected to disrupt RPE65 protein function with a positive predictive value of 80%. Experimental studies have shown that this missense change affects RPE65 function (PMID: 19431183, 24849605). For these reasons, this variant has been classified as Pathogenic.

Natera, Inc.
Classification: Likely pathogenic for Leber congenital amaurosis. Last evaluated: 2025-10-20. Review status: criteria provided, single submitter. Criteria: Natera Variant Classification Schema (03/2026). Collection method: clinical testing. Allele origin: germline. Not counted in ClinVar's aggregate classification.
Comment: The c.952T>A variant in RPE65 is a missense variant predicted to cause substitution of tyrosine to asparagine at amino acid 318. This variant is rare in the general population with a frequency below the threshold expected for the associated phenotype(s). This variant has been observed in one or more individuals affected with the associated recessive disease, as either homozygous or compound heterozygous with a second variant (PMID: 27102010, 32347917, 39788486). Functional studies show that this variant may disrupt protein function (PMID: 19431183). Computational prediction algorithms indicate this variant is likely to affect gene or protein function. Given the available evidence, this variant is classified as Likely Pathogenic.

Revvity Omics, Revvity
Classification: Pathogenic. Last evaluated: 2024-12-12. Review status: criteria provided, single submitter. Criteria: ACMG Guidelines, 2015. Collection method: clinical testing. Allele origin: germline. Not counted in ClinVar's aggregate classification.

Blueprint Genetics
Classification: Pathogenic for RPE65-related disorders. Last evaluated: 2024-08-23. Review status: criteria provided, single submitter. Criteria: ACMG Guidelines, 2015. Collection method: clinical testing. Allele origin: germline. Affected: yes. Observed: 5 variant alleles. Not counted in ClinVar's aggregate classification.

Baylor Genetics
Classification: Pathogenic for Leber congenital amaurosis 2. Last evaluated: 2024-03-19. Review status: criteria provided, single submitter. Criteria: ACMG Guidelines, 2015. Collection method: clinical testing. Allele origin: unknown. Not counted in ClinVar's aggregate classification.

Women's Health and Genetics/Laboratory Corporation of America, LabCorp
Classification: Pathogenic for Leber congenital amaurosis. Last evaluated: 2023-07-19. Review status: criteria provided, single submitter. Criteria: LabCorp Variant Classification Summary - May 2015. Collection method: clinical testing. Allele origin: germline. Not counted in ClinVar's aggregate classification.
Comment: Variant summary: RPE65 c.952T>A (p.Tyr318Asn) results in a non-conservative amino acid change in the encoded protein sequence. Five of five in-silico tools predict a damaging effect of the variant on protein function. The variant allele was found at a frequency of 8e-06 in 251368 control chromosomes. c.952T>A has been reported in the literature in the compound heterozygous state together with a pathogenic variant in at least three individuals affected with Leber Congenital Amaurosis or an inherited retinal disease (e.g. Weleber_2016, Kumaran_2018, Sheck_2021) and has been reported as an unspecified genotype in an individual in a Leber Congenital Amaurosis cohort (Stone_2007). These data indicate that the variant is likely associated with disease. At least two publications report experimental evidence evaluating an impact on protein function and both found the variant had decreased protein expression levels and resulted in <10% of normal activity (e.g. Philip_2009, Li_2014). The following publications have been ascertained in the context of this evaluation (PMID: 30268864, 29332120, 24849605, 19431183, 33749171, 17964524, 27102010, 16123401). Two submitters have cited clinical-significance assessments for this variant to ClinVar after 2014 and both classified the variant as likely pathogenic. Based on the evidence outlined above, the variant was classified as pathogenic.

SIB Swiss Institute of Bioinformatics
Classification: Likely pathogenic for Leber congenital amaurosis 2. Last evaluated: 2020-02-14. Review status: criteria provided, single submitter. Criteria: ACMG Guidelines, 2015. Collection method: curation. Allele origin: unknown. Not counted in ClinVar's aggregate classification.
Comment: This variant is interpreted as likely pathogenic for Leber congenital amaurosis 2, autosomal recessive. The following ACMG Tag(s) were applied: PM2, PP3, PS3.

Laboratory of Genetics in Ophthalmology, Institut Imagine
Classification: Likely pathogenic for Leber congenital amaurosis 2. Review status: no assertion criteria provided. Collection method: research. Allele origin: inherited. Affected: yes. Observed: 3 variant alleles. Not counted in ClinVar's aggregate classification.

Retina International
No classification provided. Review status: no classification provided. Collection method: not provided. Allele origin: not provided. Not counted in ClinVar's aggregate classification.

Literature cited by the submitters: PubMed 29332120 (cited by Labcorp Genetics (formerly Invitae), Labcorp and Women's Health and Genetics/Laboratory Corporation of America, LabCorp); PubMed 19431183 (cited by 4 submitters); PubMed 24849605 (cited by Labcorp Genetics (formerly Invitae), Labcorp and Women's Health and Genetics/Laboratory Corporation of America, LabCorp); PubMed 27102010 (cited by Natera, Inc. and Women's Health and Genetics/Laboratory Corporation of America, LabCorp); PubMed 32347917 (cited by Natera, Inc.); PubMed 39788486 (cited by Natera, Inc.); PubMed 16123401 (cited by Women's Health and Genetics/Laboratory Corporation of America, LabCorp and Laboratory of Genetics in Ophthalmology, Institut Imagine); PubMed 17964524 (cited by Women's Health and Genetics/Laboratory Corporation of America, LabCorp and SIB Swiss Institute of Bioinformatics); PubMed 33749171 (cited by Women's Health and Genetics/Laboratory Corporation of America, LabCorp); PubMed 30268864 (cited by Women's Health and Genetics/Laboratory Corporation of America, LabCorp).

NM_000329.3(RPE65):c.952T>A (p.Tyr318Asn)

Gene: RPE65 (retinoid isomerohydrolase RPE65; minus strand). Cytogenetic location: 1p31.3.
Variant type: single nucleotide variant.
Coding change: c.952T>A on transcript NM_000329.3 (MANE Select); coding-DNA position 952, T replaced by A.
Protein change: p.Tyr318Asn; replaces tyrosine 318 with asparagine.
Molecular consequence: missense variant.
Genome position (GRCh38, 1-based): chr1:68,438,988, A>T on the plus strand (T>A on the coding strand, the complement: RPE65 is on the minus strand). VCF-style: chr1-68438988-A-T. GRCh37 (hg19) VCF-style: chr1-68904671-A-T.
Other names: NM_000329.3(RPE65):c.952T>A; p.Tyr318Asn; short protein forms Y318N.
Identifiers: ClinVar variation 98900 (VCV000098900.17), dbSNP rs61752905, ClinGen allele CA226592.